The following is an entry in ClinVar:

ClinVar aggregate classification (germline): Uncertain significance. Review status: criteria provided, multiple submitters, no conflicts (2 of 4 stars). 2 submissions from 2 submitters: Uncertain significance (2). Last evaluated 2023-10-20.

Conditions:
Hereditary cancer-predisposing syndrome. Also called: Hereditary neoplastic syndrome; Neoplastic Syndromes, Hereditary; Tumor predisposition; Hereditary Cancer Syndrome. Identifiers: Orphanet 140162, MedGen C0027672, MeSH D009386, MONDO:0015356.

Submissions (2):

Ambry Genetics
Classification: Uncertain significance for Hereditary cancer-predisposing syndrome. Last evaluated: 2023-10-20. Review status: criteria provided, single submitter. Criteria: Ambry Variant Classification Scheme 2023. Collection method: clinical testing. Allele origin: germline.
Comment: The p.F420L variant (also known as c.1260C>A), located in coding exon 10 of the POLD1 gene, results from a C to A substitution at nucleotide position 1260. The phenylalanine at codon 420 is replaced by leucine, an amino acid with highly similar properties. This amino acid position is conserved. In addition, this alteration is predicted to be tolerated by in silico analysis. Since supporting evidence is limited at this time, the clinical significance of this alteration remains unclear.

GeneDx
Classification: Uncertain significance. Last evaluated: 2021-04-19. Review status: criteria provided, single submitter. Criteria: GeneDx Variant Classification Process June 2021. Collection method: clinical testing. Allele origin: germline. Affected: yes.
Comment: Not observed in large population cohorts (Lek 2016); In silico analysis supports that this missense variant has a deleterious effect on protein structure/function; Has not been previously published as pathogenic or benign to our knowledge

NM_002691.4(POLD1):c.1260C>A (p.Phe420Leu)

Gene: POLD1 (DNA polymerase delta 1, catalytic subunit; plus strand). Cytogenetic location: 19q13.33.
Variant type: single nucleotide variant.
Coding change: c.1260C>A on transcript NM_002691.4 (MANE Select); coding-DNA position 1260, C replaced by A.
Protein change: p.Phe420Leu; replaces phenylalanine 420 with leucine.
Molecular consequence: missense variant. On other transcripts: non-coding transcript variant (1).
Genome position (GRCh38, 1-based): chr19:50,406,199, C>A. VCF-style: chr19-50406199-C-A. GRCh37 (hg19) VCF-style: chr19-50909456-C-A.
Other names: c.1260C>A (NM_002691.2); c.1260C>A, p.Phe420Leu (NM_001256849.1, NM_001308632.1); short protein forms F420L.
Identifiers: ClinVar variation 1314901 (VCV001314901.3), dbSNP rs1601215186, ClinGen allele CA406979748.